The following is an entry in ClinVar:

ClinVar aggregate classification (germline): Uncertain significance (1 of 4 stars; one submission).

Conditions:
Primary ciliary dyskinesia 6. Also called: Primary Ciliary Dyskinesia 6: TXNDC3-Related Primary Ciliary Dyskinesia. Identifiers: Orphanet 244, MedGen C1970506, MONDO:0012571, OMIM 610852.

Allele frequency attached by ClinVar (database versions not stated): gnomAD exomes below 0.00001.
gnomAD v4.1: 1 of 1,568,458 alleles (0.000064%); highest among the groups gnomAD compares: East Asian, 0.0023%; no homozygotes.

Submission:

Labcorp Genetics (formerly Invitae), Labcorp
Classification: Uncertain significance for Primary ciliary dyskinesia 6. Last evaluated: 2024-04-01. Review status: criteria provided, single submitter. Criteria: Invitae Variant Classification Sherloc (09022015). Collection method: clinical testing. Allele origin: germline.
Comment: This sequence change falls in intron 9 of the NME8 gene. It does not directly change the encoded amino acid sequence of the NME8 protein. It affects a nucleotide within the consensus splice site. The frequency data for this variant in the population databases is considered unreliable, as metrics indicate poor data quality at this position in the gnomAD database. This variant has not been reported in the literature in individuals affected with NME8-related conditions. Variants that disrupt the consensus splice site are a relatively common cause of aberrant splicing (PMID: 17576681, 9536098). Algorithms developed to predict the effect of sequence changes on RNA splicing suggest that this variant may disrupt the consensus splice site. In summary, the available evidence is currently insufficient to determine the role of this variant in disease. Therefore, it has been classified as a Variant of Uncertain Significance.

Literature cited by the submitters: PubMed 17576681; PubMed 9536098.

NM_016616.5(NME8):c.528+4A>G

Gene: NME8 (NME/NM23 family member 8; plus strand). Cytogenetic location: 7p14.1.
Variant type: single nucleotide variant.
Coding change: c.528+4A>G on transcript NM_016616.5 (MANE Select); 4 bases into the intron after coding-DNA position 528, A replaced by G.
Molecular consequence: intron variant.
Genome position (GRCh38, 1-based): chr7:37,864,425, A>G. VCF-style: chr7-37864425-A-G. GRCh37 (hg19) VCF-style: chr7-37904027-A-G.
Identifiers: ClinVar variation 2819483 (VCV002819483.3), dbSNP rs1439358379, ClinGen allele CA573960246.
Genomic context (GRCh38, chr7:37,864,425, plus strand): 5'-GCTATTATCAAACCGGATGCTGTGATTAGTAAAAAAGTTCTAGAAATTAAAAGAAAAGTA[A>G]GTAATATTTTCCAACTATGATTAAATTAATTGCAAAATAACAACCTCTTAATCGTCAGTT-3'